The following is an entry in ClinVar:

NM_000452.3(SLC10A2):c.703G>A (p.Val235Met)

Gene: SLC10A2 (solute carrier family 10 member 2; minus strand). Cytogenetic location: 13q33.1.
Variant type: single nucleotide variant.
Coding change: c.703G>A on transcript NM_000452.3 (MANE Select); coding-DNA position 703, G replaced by A.
Protein change: p.Val235Met; replaces valine 235 with methionine.
Molecular consequence: missense variant.
Genome position (GRCh38, 1-based): chr13:103,051,315, C>T on the plus strand (G>A on the coding strand, the complement: SLC10A2 is on the minus strand). VCF-style: chr13-103051315-C-T. GRCh37 (hg19) VCF-style: chr13-103703665-C-T.
Other names: short protein forms V235M.
Identifiers: ClinVar variation 4806726 (VCV004806726.1).

ClinVar aggregate classification (germline): Uncertain significance (1 of 4 stars; one submission).

gnomAD v4.1: 1 of 1,614,116 alleles (0.000062%); highest among the groups gnomAD compares: Non-Finnish European, 0.000085%; no homozygotes.

Submission:

Labcorp Genetics (formerly Invitae), Labcorp
Classification: Uncertain significance. Last evaluated: 2025-08-02. Review status: criteria provided, single submitter. Criteria: Invitae Variant Classification Sherloc (09022015). Collection method: clinical testing. Allele origin: germline.
Comment: This sequence change replaces valine, which is neutral and non-polar, with methionine, which is neutral and non-polar, at codon 235 of the SLC10A2 protein (p.Val235Met). This variant is not present in population databases (gnomAD no frequency). This variant has not been reported in the literature in individuals affected with SLC10A2-related conditions. Invitae Evidence Modeling of protein sequence and biophysical properties (such as structural, functional, and spatial information, amino acid conservation, physicochemical variation, residue mobility, and thermodynamic stability) indicates that this missense variant is not expected to disrupt SLC10A2 protein function with a negative predictive value of 80%. In summary, the available evidence is currently insufficient to determine the role of this variant in disease. Therefore, it has been classified as a Variant of Uncertain Significance.